The following is an entry in ClinVar:

NM_181703.4(GJA5):c.346G>C (p.Glu116Gln)

Gene: GJA5 (gap junction protein alpha 5; minus strand). Cytogenetic location: 1q21.2.
Variant type: single nucleotide variant.
Coding change: c.346G>C on transcript NM_181703.4 (MANE Select); coding-DNA position 346, G replaced by C.
Protein change: p.Glu116Gln; replaces glutamic acid 116 with glutamine.
Molecular consequence: missense variant.
Genome position (GRCh38, 1-based): chr1:147,758,893, C>G on the plus strand (G>C on the coding strand, the complement: GJA5 is on the minus strand). VCF-style: chr1-147758893-C-G. GRCh37 (hg19) VCF-style: chr1-147231001-C-G.
Other names: c.346G>C, p.Glu116Gln (NM_005266.7); short protein forms E116Q.
Identifiers: ClinVar variation 4782420 (VCV004782420.1).

ClinVar aggregate classification (germline): Uncertain significance (1 of 4 stars; one submission).

Conditions:
Atrial standstill 1 (ATRST1). Also called: ATRIAL CARDIOMYOPATHY WITH HEART BLOCK; CARDIOMYOPATHY, FAMILIAL, WITH CONDUCTION DISTURBANCE; Atrial standstill, digenic (GJA5/SCN5A). Identifiers: Orphanet 1344, MedGen C4551959, MONDO:0007171, OMIM 108770.
Atrial fibrillation, familial, 11 (ATFB11). Identifiers: MedGen C3279693, MONDO:0013544, OMIM 614049.

Submission:

Labcorp Genetics (formerly Invitae), Labcorp
Classification: Uncertain significance for Atrial fibrillation, familial, 11; Atrial standstill 1. Last evaluated: 2025-09-23. Review status: criteria provided, single submitter. Criteria: Invitae Variant Classification Sherloc (09022015). Collection method: clinical testing. Allele origin: germline.
Comment: This sequence change replaces glutamic acid, which is acidic and polar, with glutamine, which is neutral and polar, at codon 116 of the GJA5 protein (p.Glu116Gln). This variant is not present in population databases (gnomAD no frequency). This variant has not been reported in the literature in individuals affected with GJA5-related conditions. Invitae Evidence Modeling of protein sequence and biophysical properties (such as structural, functional, and spatial information, amino acid conservation, physicochemical variation, residue mobility, and thermodynamic stability) indicates that this missense variant is not expected to disrupt GJA5 protein function with a negative predictive value of 80%. In summary, the available evidence is currently insufficient to determine the role of this variant in disease. Therefore, it has been classified as a Variant of Uncertain Significance.